The following is an entry in ClinVar:

ClinVar aggregate classification (germline): Uncertain significance (1 of 4 stars; one submission).

Conditions:
Progressive sclerosing poliodystrophy (MTDPS4A). Also called: ALPERS PROGRESSIVE INFANTILE POLIODYSTROPHY; NEURONAL DEGENERATION OF CHILDHOOD WITH LIVER DISEASE, PROGRESSIVE; Alpers Syndrome; ALPERS DIFFUSE DEGENERATION OF CEREBRAL GRAY MATTER WITH HEPATIC CIRRHOSIS; Alpers-Huttenlocher Syndrome; Mitochondrial DNA depletion syndrome 4A (Alpers type). Identifiers: Orphanet 726, MedGen C0205710, MONDO:0008758, OMIM 203700.

Allele frequency attached by ClinVar (database versions not stated): TOPMed below 0.00001; gnomAD 0.00001; gnomAD exomes below 0.00001.

Submission:

Labcorp Genetics (formerly Invitae), Labcorp
Classification: Uncertain significance for Progressive sclerosing poliodystrophy. Last evaluated: 2021-09-22. Review status: criteria provided, single submitter. Criteria: Invitae Variant Classification Sherloc (09022015). Collection method: clinical testing. Allele origin: germline.
Comment: This sequence change replaces tyrosine with histidine at codon 363 of the POLG protein (p.Tyr363His). The tyrosine residue is highly conserved and there is a moderate physicochemical difference between tyrosine and histidine. In summary, the available evidence is currently insufficient to determine the role of this variant in disease. Therefore, it has been classified as a Variant of Uncertain Significance. Algorithms developed to predict the effect of missense changes on protein structure and function are either unavailable or do not agree on the potential impact of this missense change (SIFT: "Tolerated"; PolyPhen-2: "Probably Damaging"; Align-GVGD: "Class C0"). This variant has not been reported in the literature in individuals affected with POLG-related conditions. This variant is not present in population databases (ExAC no frequency).

NM_002693.3(POLG):c.1087T>C (p.Tyr363His)

Gene: POLG (DNA polymerase gamma, catalytic subunit; minus strand). Cytogenetic location: 15q26.1.
Variant type: single nucleotide variant.
Coding change: c.1087T>C on transcript NM_002693.3 (MANE Select); coding-DNA position 1087, T replaced by C.
Protein change: p.Tyr363His; replaces tyrosine 363 with histidine.
Molecular consequence: missense variant.
Genome position (GRCh38, 1-based): chr15:89,328,768, A>G on the plus strand (T>C on the coding strand, the complement: POLG is on the minus strand). VCF-style: chr15-89328768-A-G. GRCh37 (hg19) VCF-style: chr15-89871999-A-G.
Other names: c.1087T>C, p.Tyr363His (NM_001126131.2); short protein forms Y363H.
Identifiers: ClinVar variation 1447923 (VCV001447923.6), dbSNP rs1380215532, ClinGen allele CA393764947.